The following is an entry in ClinVar:

NM_000138.5(FBN1):c.6616+4C>T

Gene: FBN1 (fibrillin 1; minus strand). Cytogenetic location: 15q21.1.
Variant type: single nucleotide variant.
Coding change: c.6616+4C>T on transcript NM_000138.5 (MANE Select); 4 bases into the intron after coding-DNA position 6616, C replaced by T.
Molecular consequence: intron variant.
Genome position (GRCh38, 1-based): chr15:48,434,590, G>A on the plus strand (C>T on the coding strand, the complement: FBN1 is on the minus strand). VCF-style: chr15-48434590-G-A. GRCh37 (hg19) VCF-style: chr15-48726787-G-A.
Other names: c.6616+4C>T (NM_001406716.1).
Identifiers: ClinVar variation 2948845 (VCV002948845.3), dbSNP rs2505429210, ClinGen allele CA2740096618.

ClinVar aggregate classification (germline): Uncertain significance (1 of 4 stars; one submission).

Conditions:
Marfan syndrome (MFS). Also called: MARFAN SYNDROME, TYPE I; Marfan syndrome type 1; Marfan's syndrome; Marfan syndrome, classic; FBN1-Related Marfan Syndrome. Identifiers: Orphanet 284963, Orphanet 558, MedGen C0024796, MONDO:0007947, OMIM 154700.
Familial thoracic aortic aneurysm and aortic dissection (TAAD). Also called: Thoracic aortic aneurysms and dissections. Identifiers: Orphanet 91387, MedGen C4707243, MONDO:0019625.

Submission:

Labcorp Genetics (formerly Invitae), Labcorp
Classification: Uncertain significance for Marfan syndrome; Familial thoracic aortic aneurysm and aortic dissection. Last evaluated: 2023-06-14. Review status: criteria provided, single submitter. Criteria: Invitae Variant Classification Sherloc (09022015). Collection method: clinical testing. Allele origin: germline.
Comment: In summary, the available evidence is currently insufficient to determine the role of this variant in disease. Therefore, it has been classified as a Variant of Uncertain Significance. Variants that disrupt the consensus splice site are a relatively common cause of aberrant splicing (PMID: 17576681, 9536098). Algorithms developed to predict the effect of sequence changes on RNA splicing suggest that this variant is not likely to affect RNA splicing. This variant has not been reported in the literature in individuals affected with FBN1-related conditions. This variant is not present in population databases (gnomAD no frequency). This sequence change falls in intron 54 of the FBN1 gene. It does not directly change the encoded amino acid sequence of the FBN1 protein. It affects a nucleotide within the consensus splice site.

Literature cited by the submitters: PubMed 17576681; PubMed 9536098.